The following is an entry in ClinVar:

NM_015100.4(POGZ):c.1523G>A (p.Arg508Gln)

Gene: POGZ (pogo transposable element derived with ZNF domain; minus strand). Cytogenetic location: 1q21.3.
Variant type: single nucleotide variant.
Coding change: c.1523G>A on transcript NM_015100.4 (MANE Select); coding-DNA position 1523, G replaced by A.
Protein change: p.Arg508Gln; replaces arginine 508 with glutamine.
Molecular consequence: missense variant.
Genome position (GRCh38, 1-based): chr1:151,423,949, C>T on the plus strand (G>A on the coding strand, the complement: POGZ is on the minus strand). VCF-style: chr1-151423949-C-T. GRCh37 (hg19) VCF-style: chr1-151396425-C-T.
Other names: c.1496G>A, p.Arg499Gln (NM_001194937.2); c.1337G>A, p.Arg446Gln (NM_001194938.2); c.1238G>A, p.Arg413Gln (NM_145796.4); c.1364G>A, p.Arg455Gln (NM_207171.2); short protein forms R413Q, R446Q, R455Q, R499Q, R508Q.
Identifiers: ClinVar variation 1314445 (VCV001314445.2), dbSNP rs1657361380, ClinGen allele CA341970511.

ClinVar aggregate classification (germline): Uncertain significance (1 of 4 stars; one submission).

Submission:

GeneDx
Classification: Uncertain significance. Last evaluated: 2021-04-12. Review status: criteria provided, single submitter. Criteria: GeneDx Variant Classification Process June 2021. Collection method: clinical testing. Allele origin: germline. Affected: yes.
Comment: Not observed in large population cohorts (Lek et al., 2016); In silico analysis supports that this missense variant has a deleterious effect on protein structure/function; Has not been previously published as pathogenic or benign to our knowledge